The following is an entry in ClinVar:

NM_002334.4(LRP4):c.4346G>A (p.Arg1449Gln)

Genes: LRP4 (LDL receptor related protein 4; minus strand), LRP4-AS1 (LRP4 antisense RNA 1; plus strand). Cytogenetic location: 11p11.2.
Variant type: single nucleotide variant.
Coding change: c.4346G>A on transcript NM_002334.4 (MANE Select); coding-DNA position 4346, G replaced by A.
Protein change: p.Arg1449Gln; replaces arginine 1449 with glutamine.
Molecular consequence: missense variant. On other transcripts: non-coding transcript variant (1).
Genome position (GRCh38, 1-based): chr11:46,873,477, C>T on the plus strand (G>A on the coding strand, the complement: LRP4 is on the minus strand). VCF-style: chr11-46873477-C-T. GRCh37 (hg19) VCF-style: chr11-46895028-C-T.
Other names: short protein forms R1449Q.
Identifiers: ClinVar variation 2055935 (VCV002055935.4), dbSNP rs1023291119, ClinGen allele CA221626643.

ClinVar aggregate classification (germline): Uncertain significance (1 of 4 stars; one submission).

Conditions:
Congenital myasthenic syndrome 17. Identifiers: Orphanet 590, MedGen C4225377, MONDO:0014578, OMIM 616304.
Cenani-Lenz syndactyly syndrome. Also called: SYNDACTYLY, TYPE VII; CENANI SYNDACTYLISM. Identifiers: Orphanet 3258, MedGen C1859309, MONDO:0008931, OMIM 212780.
Sclerosteosis 2 (SOST2). Identifiers: Orphanet 3152, MedGen C3280402, MONDO:0013679, OMIM 614305.

Allele frequency attached by ClinVar (database versions not stated): gnomAD 0.00001; gnomAD exomes 0.00001.
gnomAD v4.1: 13 of 1,614,078 alleles (0.00081%); highest among the groups gnomAD compares: African/African-American, 0.0027%; no homozygotes.

Submission:

Labcorp Genetics (formerly Invitae), Labcorp
Classification: Uncertain significance for Cenani-Lenz syndactyly syndrome; Sclerosteosis 2; Congenital myasthenic syndrome 17. Last evaluated: 2022-03-12. Review status: criteria provided, single submitter. Criteria: Invitae Variant Classification Sherloc (09022015). Collection method: clinical testing. Allele origin: germline.
Comment: This variant has not been reported in the literature in individuals affected with LRP4-related conditions. This variant is present in population databases (no rsID available, gnomAD 0.004%). This sequence change replaces arginine, which is basic and polar, with glutamine, which is neutral and polar, at codon 1449 of the LRP4 protein (p.Arg1449Gln). In summary, the available evidence is currently insufficient to determine the role of this variant in disease. Therefore, it has been classified as a Variant of Uncertain Significance. Algorithms developed to predict the effect of missense changes on protein structure and function (SIFT, PolyPhen-2, Align-GVGD) all suggest that this variant is likely to be disruptive.